The following is an entry in ClinVar:

NM_000497.4(CYP11B1):c.-10G>A

Genes: CYP11B1 (cytochrome P450 family 11 subfamily B member 1; minus strand), LOC110673972 (CYP11B1 promoter; plus strand). Cytogenetic location: 8q24.3.
Variant type: single nucleotide variant.
Coding change: c.-10G>A on transcript NM_000497.4 (MANE Select); 10 bases upstream of the start codon, G replaced by A.
Molecular consequence: 5 prime UTR variant.
Genome position (GRCh38, 1-based): chr8:142,879,823, C>T on the plus strand (G>A on the coding strand, the complement: CYP11B1 is on the minus strand). VCF-style: chr8-142879823-C-T. GRCh37 (hg19) VCF-style: chr8-143961239-C-T.
Identifiers: ClinVar variation 3054343 (VCV003054343.3), dbSNP rs770053556, ClinGen allele CA4905749.

ClinVar aggregate classification (germline): Likely benign. Review status: criteria provided, single submitter (1 of 4 stars). 2 submissions from 2 submitters: Likely benign (1). 1 of the submissions does not count toward it. Last evaluated 2024-03-14.

Conditions:
CYP11B1-related disorder. Also called: CYP11B1-related condition.
Deficiency of steroid 11-beta-monooxygenase (CYP11B1). Also called: ADRENAL HYPERPLASIA IV; Congenital adrenal hyperplasia due to 11-beta-hydroxylase deficiency; ADRENAL HYPERPLASIA, CONGENITAL, DUE TO STEROID 11-BETA-HYDROXYLASE DEFICIENCY; 11-BETA-HYDROXYLASE DEFICIENCY; P450C11B1 DEFICIENCY; STEROID 11-BETA-HYDROXYLASE DEFICIENCY. Identifiers: Orphanet 90795, MedGen C0268292, MONDO:0008729, OMIM 202010. Disease mechanism: loss of function.
Glucocorticoid-remediable aldosteronism. Also called: ACTH-DEPENDENT HYPERALDOSTERONISM SYNDROME; ALDOSTERONISM, SENSITIVE TO DEXAMETHASONE; Hyperaldosteronism, familial, type I; FH I; GLUCOCORTICOID-SUPPRESSIBLE HYPERALDOSTERONISM. Identifiers: Orphanet 403, MedGen C3838731, MONDO:0007080, OMIM 103900.

Allele frequency attached by ClinVar (database versions not stated): ExAC 0.00001; gnomAD 0.00001; gnomAD exomes 0.00001; TOPMed 0.00002.
gnomAD v4.1: 11 of 1,611,998 alleles (0.00068%); highest among the groups gnomAD compares: Admixed American, 0.012%; no homozygotes.

Submissions (2):

Fulgent Genetics
Classification: Likely benign for Glucocorticoid-remediable aldosteronism; Deficiency of steroid 11-beta-monooxygenase. Last evaluated: 2024-03-14. Review status: criteria provided, single submitter. Criteria: ACMG Guidelines, 2015. Collection method: clinical testing. Allele origin: germline.

PreventionGenetics, part of Exact Sciences
Classification: Likely benign for CYP11B1-related condition. Last evaluated: 2020-05-07. Review status: no assertion criteria provided. Collection method: clinical testing. Allele origin: germline. Not counted in ClinVar's aggregate classification.
Comment: This variant is classified as likely benign based on ACMG/AMP sequence variant interpretation guidelines (Richards et al. 2015 PMID: 25741868, with internal and published modifications).